The following is an entry in ClinVar:

ClinVar aggregate classification (germline): Pathogenic (1 of 4 stars; one submission).

Conditions:
LAMA2-related muscular dystrophy (LAMA2-RD). Also called: Laminin alpha 2-related dystrophy. Identifiers: MedGen C5679788, MONDO:0100228.

Submission:

Labcorp Genetics (formerly Invitae), Labcorp
Classification: Pathogenic for LAMA2-related muscular dystrophy. Last evaluated: 2023-11-09. Review status: criteria provided, single submitter. Criteria: Invitae Variant Classification Sherloc (09022015). Collection method: clinical testing. Allele origin: germline.
Comment: This sequence change creates a premature translational stop signal (p.Trp512*) in the LAMA2 gene. It is expected to result in an absent or disrupted protein product. Loss-of-function variants in LAMA2 are known to be pathogenic (PMID: 18700894, 32904964). This variant is not present in population databases (gnomAD no frequency). This variant has not been reported in the literature in individuals affected with LAMA2-related conditions. ClinVar contains an entry for this variant (Variation ID: 939080). For these reasons, this variant has been classified as Pathogenic.

Literature cited by the submitters: PubMed 18700894; PubMed 32904964.

NM_000426.4(LAMA2):c.1535G>A (p.Trp512Ter)

Gene: LAMA2 (laminin subunit alpha 2; plus strand). Cytogenetic location: 6q22.33.
Variant type: single nucleotide variant.
Coding change: c.1535G>A on transcript NM_000426.4 (MANE Select); coding-DNA position 1535, G replaced by A.
Protein change: p.Trp512Ter; replaces tryptophan 512 with a stop codon.
Molecular consequence: nonsense.
Genome position (GRCh38, 1-based): chr6:129,190,272, G>A. VCF-style: chr6-129190272-G-A. GRCh37 (hg19) VCF-style: chr6-129511417-G-A.
Other names: c.1535G>A, p.Trp512Ter (NM_001079823.2); short protein forms W512*.
Identifiers: ClinVar variation 939080 (VCV000939080.8), dbSNP rs1781452558, ClinGen allele CA365607910.
Genomic context (GRCh38, chr6:129,190,272, plus strand): 5'-TTGAAGGAGGAGACTGTAGTCGTTGCAAATCCGGCTTCTTCAATTTGCAAGAGGATAATT[G>A]GAAAGGCTGCGATGAGTGTTTCTGTTCAGGGGTTTCAAACAGATGTCAGAGTTCCTACTG-3'